The following is an entry in ClinVar:

ClinVar aggregate classification (germline): Uncertain significance. Review status: criteria provided, multiple submitters, no conflicts (2 of 4 stars). 9 submissions from 9 submitters: Uncertain significance (9). Last evaluated 2026-06-30.

Conditions:
MYH6-related disorder. Also called: MYH6-related condition; MYH6-Related Disorders.
Cardiovascular phenotype. Identifiers: MedGen CN230736.
Dilated cardiomyopathy 1EE (CMD1EE). Identifiers: Orphanet 154, MedGen C2750466, MONDO:0013198, OMIM 613252.
Hypertrophic cardiomyopathy 14. Identifiers: MedGen C2750467, MONDO:0013197, OMIM 613251.
Atrial septal defect 3 (ASD3). Identifiers: Orphanet 1478, MedGen C3279790, MONDO:0013567, OMIM 614089.
Hypertrophic cardiomyopathy 1 (CMH1). Also called: MYH7-Related Familial Hypertrophic Cardiomyopathy; Familial hypertrophic cardiomyopathy 1. Identifiers: MedGen C3495498, MONDO:0008647, OMIM 192600.
Sick sinus syndrome 3, susceptibility to (SSS3). Identifiers: Orphanet 166282, MedGen C3279791, MONDO:0013568, OMIM 614090.

Allele frequency attached by ClinVar (database versions not stated): gnomAD 0.00004 and 0.00005; gnomAD exomes 0.00004; ESP Exome Variant Server 0.00008; TOPMed 0.00009.
gnomAD v4.1: 45 of 1,614,022 alleles (0.0028%); highest among the groups gnomAD compares: African/African-American, 0.0067%; no homozygotes.

Submissions (9):

Women's Health and Genetics/Laboratory Corporation of America, LabCorp
Classification: Uncertain significance. Last evaluated: 2026-06-30. Review status: criteria provided, single submitter. Criteria: LabCorp Variant Classification Summary - May 2015. Collection method: clinical testing. Allele origin: germline.
Comment: Variant summary: MYH6 c.4822C>T (p.Arg1608Cys) results in a non-conservative amino acid change in the encoded protein sequence. Algorithms developed to predict the effect of missense changes on protein structure and function all suggest that this variant is likely to be disruptive. The variant allele was found at a frequency of 3.6e-05 in 251490 control chromosomes (gnomAD). The available data on variant occurrences in the general population are insufficient to allow any conclusion about variant significance. c.4822C>T has been observed in an individual affected with ventricular septal defect (Pulignani_2018). This report do not provide unequivocal conclusions about association of the variant with disease. To our knowledge, no experimental evidence demonstrating an impact on protein function has been reported. ClinVar contains an entry for this variant (Variation ID: 191710). Based on the evidence outlined above, the variant was classified as uncertain significance.

PreventionGenetics, part of Exact Sciences
Classification: Uncertain significance for MYH6-related condition. Last evaluated: 2026-01-18. Review status: criteria provided, single submitter. Criteria: ACMG Guidelines, 2015. Collection method: clinical testing. Allele origin: germline.
Comment: The MYH6 c.4822C>T variant is predicted to result in the amino acid substitution p.Arg1608Cys. This variant has been reported in an individual with ventricular septal defect (Pulignani et al. 2018. PubMed ID: 29332214). It has also been reported in cohort studies of individual who underwent exome sequencing, however, no case-level clinical information was provided (Supplemental table 3, Ng et al. 2013. PubMed ID: 23861362; Dataset S4, Kars et al. 2021. PubMed ID: 34426522). This variant is reported in 0.016% of alleles in individuals of African descent in gnomAD. At this time, the clinical significance of this variant is uncertain due to the absence of conclusive functional and genetic evidence.

Labcorp Genetics (formerly Invitae), Labcorp
Classification: Uncertain significance for Hypertrophic cardiomyopathy 14. Last evaluated: 2025-12-31. Review status: criteria provided, single submitter. Criteria: Invitae Variant Classification Sherloc (09022015). Collection method: clinical testing. Allele origin: germline.
Comment: This sequence change replaces arginine, which is basic and polar, with cysteine, which is neutral and slightly polar, at codon 1608 of the MYH6 protein (p.Arg1608Cys). This variant is present in population databases (rs201683868, gnomAD 0.01%). This missense change has been observed in individual(s) with ventricular septal defect (PMID: 29332214). ClinVar contains an entry for this variant (Variation ID: 191710). Invitae Evidence Modeling of protein sequence and biophysical properties (such as structural, functional, and spatial information, amino acid conservation, physicochemical variation, residue mobility, and thermodynamic stability) indicates that this missense variant is expected to disrupt MYH6 protein function with a positive predictive value of 80%. In summary, the available evidence is currently insufficient to determine the role of this variant in disease. Therefore, it has been classified as a Variant of Uncertain Significance.

Ambry Genetics
Classification: Uncertain significance for Cardiovascular phenotype. Last evaluated: 2025-04-25. Review status: criteria provided, single submitter. Criteria: Ambry Variant Classification Scheme 2023. Collection method: clinical testing. Allele origin: germline.
Comment: The p.R1608C variant (also known as c.4822C>T), located in coding exon 31 of the MYH6 gene, results from a C to T substitution at nucleotide position 4822. The arginine at codon 1608 is replaced by cysteine, an amino acid with highly dissimilar properties. This variant was detected in an individual with a ventricular septal defect (Pulignani S et al. Pediatr Cardiol, 2018 Apr;39:682-689). This alteration has also been reported as a secondary cardiac variant in an exome cohort and was detected on genome sequencing in a cohort not selected for the presence of cardiovascular disease; however, details were limited (Ng D et al. Circ Cardiovasc Genet, 2013 Aug;6:337-46; Kars ME et al. Proc Natl Acad Sci U S A. 2021 Sep;118(36)). This amino acid position is highly conserved in available vertebrate species. In addition, the in silico prediction for this alteration is inconclusive. Since supporting evidence is limited at this time, the clinical significance of this alteration remains unclear.

GeneDx
Classification: Uncertain significance. Last evaluated: 2024-03-22. Review status: criteria provided, single submitter. Criteria: GeneDx Variant Classification Process June 2021. Collection method: clinical testing. Allele origin: germline. Affected: yes.
Comment: Has not been published in association with cardiomyopathy to our knowledge, but has been reported in one individual with a ventricular septal defect, and one individual from a cohort of individuals not selected for cardiomyopathy, arrhythmia or family history of sudden cardiac death who underwent exome sequencing (PMID: 29332214, 23861362); In silico analysis supports that this missense variant has a deleterious effect on protein structure/function; This variant is associated with the following publications: (PMID: 23861362, 34426522, 35621855, 29332214)

Fulgent Genetics
Classification: Uncertain significance for Hypertrophic cardiomyopathy 1; Hypertrophic cardiomyopathy 14; Dilated cardiomyopathy 1EE; Atrial septal defect 3; Sick sinus syndrome 3, susceptibility to. Last evaluated: 2021-10-21. Review status: criteria provided, single submitter. Criteria: ACMG Guidelines, 2015. Collection method: clinical testing. Allele origin: unknown.

Department of Pathology and Laboratory Medicine, Sinai Health System
Classification: Uncertain significance for Dilated cardiomyopathy 1EE; Hypertrophic cardiomyopathy 14. Last evaluated: 2021-09-03. Review status: criteria provided, single submitter. Criteria: ACMG Guidelines, 2015. Collection method: research. Allele origin: germline.

ARUP Laboratories, Molecular Genetics and Genomics, ARUP Laboratories
Classification: Uncertain significance. Last evaluated: 2020-03-12. Review status: criteria provided, single submitter. Criteria: ARUP Molecular Germline Variant Investigation Process. Collection method: clinical testing. Allele origin: germline.
Comment: The MYH6 c.4822C>T; p.Arg1608Cys variant (rs201683868) is reported in the literature in an individual affected with ventricular septal defect, although its clinical significance in this patient was not demonstrated (Pulignani 2018). This variant is found in the general population with an overall allele frequency of 0.004% (10/282862 alleles) in the Genome Aggregation Database. The arginine at codon 1608 is highly conserved, and computational analyses (SIFT, PolyPhen-2) predict that this variant is deleterious. However, due to limited information, the clinical significance of the p.Arg1608Cys variant is uncertain at this time. References: Pulignani S et al. Targeted Next-Generation Sequencing in Patients with Non-syndromic Congenital Heart Disease. Pediatr Cardiol. 2018 Apr;39(4):682-689.

Biesecker Lab/Clinical Genomics Section, National Institutes of Health
Classification: Uncertain significance. Last evaluated: 2013-06-24. Review status: criteria provided, single submitter. Criteria: Ng et al. (Circ Cardiovasc Genet. 2013). Collection method: research. Allele origin: unknown. Observed: 1 variant allele. Study: ClinSeq.
Comment: The study set was not selected for affection status in relation to any cancer. Pathogenicity categories were based on literature curation. See Pubmed ID:23861362 for details.

Medical sequencing

Literature cited by the submitters: PubMed 29332214 (cited by 3 submitters); PubMed 23861362 (cited by Ambry Genetics); PubMed 34426522 (cited by Ambry Genetics).

NM_002471.4(MYH6):c.4822C>T (p.Arg1608Cys)

Genes: MYH6 (myosin heavy chain 6; minus strand), LOC126861896 (BRD4-independent group 4 enhancer GRCh37_chr14:23854904-23856103; plus strand). Cytogenetic location: 14q11.2.
Variant type: single nucleotide variant.
Coding change: c.4822C>T on transcript NM_002471.4 (MANE Select); coding-DNA position 4822, C replaced by T.
Protein change: p.Arg1608Cys; replaces arginine 1608 with cysteine.
Molecular consequence: missense variant.
Genome position (GRCh38, 1-based): chr14:23,386,452, G>A on the plus strand (C>T on the coding strand, the complement: MYH6 is on the minus strand). VCF-style: chr14-23386452-G-A. GRCh37 (hg19) VCF-style: chr14-23855661-G-A.
Other names: short protein forms R1608C.
Identifiers: ClinVar variation 191710 (VCV000191710.28), dbSNP rs201683868, ClinGen allele CA237339.